The following is an entry in ClinVar:

NM_198576.4(AGRN):c.5153C>T (p.Pro1718Leu)

Genes: AGRN (agrin; plus strand), LOC129929078 (ATAC-STARR-seq lymphoblastoid silent region 24; plus strand). Cytogenetic location: 1p36.33.
Variant type: single nucleotide variant.
Coding change: c.5153C>T on transcript NM_198576.4 (MANE Select); coding-DNA position 5153, C replaced by T.
Protein change: p.Pro1718Leu; replaces proline 1718 with leucine.
Molecular consequence: missense variant.
Genome position (GRCh38, 1-based): chr1:1,050,737, C>T. VCF-style: chr1-1050737-C-T. GRCh37 (hg19) VCF-style: chr1-986117-C-T.
Other names: c.5153C>T, p.Pro1718Leu (NM_001305275.2); c.4838C>T, p.Pro1613Leu (NM_001364727.2); short protein forms P1613L, P1718L.
Identifiers: ClinVar variation 1052048 (VCV001052048.6), dbSNP rs1570246147, ClinGen allele CA337780932.
Genomic context (GRCh38, chr1:1,050,737, plus strand): 5'-GCGTGGCCGGTGGTGGACAGAGCCCACTCACGCTGCCCCTCCTCACCAGGAGCAGGGAGC[C>T]AGTCACCCTGGGAGCCTGGACCAGGGTCTCACTGGAGCGAAACGGCCGCAAGGGTGCCCT-3'
Protein context (NP_940978.2, residues 1708-1728): KGAAVIRSRE[Pro1718Leu]VTLGAWTRVS

ClinVar aggregate classification (germline): Uncertain significance (1 of 4 stars; one submission).

Conditions:
Congenital myasthenic syndrome 8. Also called: MYASTHENIC SYNDROME, CONGENITAL, DUE TO AGRIN DEFICIENCY; Myasthenic syndrome, congenital, 8, with pre- and postsynaptic defects. Identifiers: Orphanet 590, MedGen C3808739, MONDO:0014052, OMIM 615120.

Allele frequency attached by ClinVar (database versions not stated): gnomAD exomes 0.00001; TOPMed 0.00001.
gnomAD v4.1: 13 of 1,603,004 alleles (0.00081%); highest among the groups gnomAD compares: Non-Finnish European, 0.001%; no homozygotes.

Submission:

Labcorp Genetics (formerly Invitae), Labcorp
Classification: Uncertain significance for Congenital myasthenic syndrome 8. Last evaluated: 2022-10-04. Review status: criteria provided, single submitter. Criteria: Invitae Variant Classification Sherloc (09022015). Collection method: clinical testing. Allele origin: germline.
Comment: This variant has not been reported in the literature in individuals affected with AGRN-related conditions. This sequence change replaces proline, which is neutral and non-polar, with leucine, which is neutral and non-polar, at codon 1718 of the AGRN protein (p.Pro1718Leu). This variant is not present in population databases (gnomAD no frequency). ClinVar contains an entry for this variant (Variation ID: 1052048). Algorithms developed to predict the effect of missense changes on protein structure and function output the following: SIFT: "Tolerated"; PolyPhen-2: "Benign"; Align-GVGD: "Class C0". The leucine amino acid residue is found in multiple mammalian species, which suggests that this missense change does not adversely affect protein function. In summary, the available evidence is currently insufficient to determine the role of this variant in disease. Therefore, it has been classified as a Variant of Uncertain Significance.